The following is an entry in ClinVar:

ClinVar aggregate classification (germline): Uncertain significance. Review status: criteria provided, single submitter (1 of 4 stars). 2 submissions from 2 submitters: Uncertain significance (1). 1 of the submissions does not count toward it. Last evaluated 2017-04-27.

Conditions:
VDR-related disorder. Also called: VDR-related condition.
Vitamin D-dependent rickets type II with alopecia (VDDR2A). Also called: GENERALIZED RESISTANCE TO 1,25-DIHYDROXYVITAMIN D; HYPOCALCEMIC VITAMIN D-RESISTANT RICKETS; PDDR IIA; PSEUDOVITAMIN D-DEFICIENCY, TYPE IIA; RICKETS, HEREDITARY VITAMIN D-RESISTANT; RICKETS-ALOPECIA SYNDROME. Identifiers: Orphanet 93160, MedGen C0342646, MONDO:0010186, OMIM 277440.

Allele frequency attached by ClinVar (database versions not stated): gnomAD 0.00002 and 0.00005; TOPMed 0.00003; gnomAD exomes 0.00007; 1000 Genomes Project 30x 0.00016; 1000 Genomes Project 0.00020.
gnomAD v4.1: 104 of 1,601,966 alleles (0.0065%); highest among the groups gnomAD compares: East Asian, 0.2%; no homozygotes.

Submissions (2):

Illumina Laboratory Services, Illumina
Classification: Uncertain significance for Vitamin D-dependent rickets type II with alopecia. Last evaluated: 2017-04-27. Review status: criteria provided, single submitter. Criteria: ICSL Variant Classification Criteria 13 December 2019. Collection method: clinical testing. Allele origin: germline.

PreventionGenetics, part of Exact Sciences
Classification: Likely benign for VDR-related condition. Last evaluated: 2021-04-01. Review status: no assertion criteria provided. Collection method: clinical testing. Allele origin: germline. Not counted in ClinVar's aggregate classification.
Comment: This variant is classified as likely benign based on ACMG/AMP sequence variant interpretation guidelines (Richards et al. 2015 PMID: 25741868, with internal and published modifications).

NM_000376.3(VDR):c.*71G>A

Gene: VDR (vitamin D receptor; minus strand). Cytogenetic location: 12q13.11.
Variant type: single nucleotide variant.
Coding change: c.*71G>A on transcript NM_000376.3 (MANE Select); 71 bases downstream of the stop codon, G replaced by A.
Molecular consequence: 3 prime UTR variant. On other transcripts: missense variant (1).
Genome position (GRCh38, 1-based): chr12:47,844,675, C>T on the plus strand (G>A on the coding strand, the complement: VDR is on the minus strand). VCF-style: chr12-47844675-C-T. GRCh37 (hg19) VCF-style: chr12-48238458-C-T.
Other names: c.1355G>A (NM_001364085.1); c.*71G>A (NM_001017535.2, NM_001017536.2, NM_001374661.1 and 1 more transcripts); c.1355G>A, p.Arg452Gln (NM_001364085.2); short protein forms R452Q.
Identifiers: ClinVar variation 882307 (VCV000882307.6), dbSNP rs527310161, ClinGen allele CA236505902.